The following is an entry in ClinVar:

ClinVar aggregate classification (germline): Uncertain significance (1 of 4 stars; one submission).

Submission:

Ambry Genetics
Classification: Uncertain significance. Last evaluated: 2024-01-29. Review status: criteria provided, single submitter. Criteria: Ambry Variant Classification Scheme 2023. Collection method: clinical testing. Allele origin: germline.
Comment: Does not currently meet published gene-disease clinical validity criteria Based on insufficient or conflicting evidence, the clinical significance of this alteration remains unclear.

Literature cited by the submitters: PubMed 28106320.

NM_015231.3(NUP160):c.2840A>G (p.Gln947Arg)

Gene: NUP160 (nucleoporin 160; minus strand). Cytogenetic location: 11p11.2.
Variant type: single nucleotide variant.
Coding change: c.2840A>G on transcript NM_015231.3 (MANE Select); coding-DNA position 2840, A replaced by G.
Protein change: p.Gln947Arg; replaces glutamine 947 with arginine.
Molecular consequence: missense variant. On other transcripts: non-coding transcript variant (1).
Genome position (GRCh38, 1-based): chr11:47,798,417, T>C on the plus strand (A>G on the coding strand, the complement: NUP160 is on the minus strand). VCF-style: chr11-47798417-T-C. GRCh37 (hg19) VCF-style: chr11-47819969-T-C.
Other names: short protein forms Q947R.
Identifiers: ClinVar variation 3203014 (VCV003203014.1), dbSNP rs2494723970, ClinGen allele CA380375229.